The following is an entry in ClinVar:

NM_000260.4(MYO7A):c.3194G>A (p.Ser1065Asn)

Gene: MYO7A (myosin VIIA; plus strand). Cytogenetic location: 11q13.5.
Variant type: single nucleotide variant.
Coding change: c.3194G>A on transcript NM_000260.4 (MANE Select); coding-DNA position 3194, G replaced by A.
Protein change: p.Ser1065Asn; replaces serine 1065 with asparagine.
Molecular consequence: missense variant.
Genome position (GRCh38, 1-based): chr11:77,182,509, G>A. VCF-style: chr11-77182509-G-A. GRCh37 (hg19) VCF-style: chr11-76893554-G-A.
Other names: c.3194G>A, p.Ser1065Asn (NM_001127180.2); c.3161G>A, p.Ser1054Asn (NM_001369365.1); short protein forms S1054N, S1065N.
Identifiers: ClinVar variation 3772347 (VCV003772347.13).

ClinVar aggregate classification (germline): Uncertain significance (1 of 4 stars; one submission).

Submission:

CeGaT Center for Human Genetics Tuebingen
Classification: Uncertain significance. Last evaluated: 2025-01-01. Review status: criteria provided, single submitter. Criteria: CeGaT Center For Human Genetics Tuebingen Variant Classification Criteria Version 2. Collection method: clinical testing. Allele origin: germline. Affected: yes. Observed: 1 variant allele.
Comment: MYO7A: PM2, PP3